The following is an entry in ClinVar:

ClinVar aggregate classification (germline): Uncertain significance (1 of 4 stars; one submission).

Conditions:
Hypertrophic cardiomyopathy 14. Identifiers: MedGen C2750467, MONDO:0013197, OMIM 613251.
Dilated cardiomyopathy 1EE (CMD1EE). Identifiers: Orphanet 154, MedGen C2750466, MONDO:0013198, OMIM 613252.
Atrial septal defect 3 (ASD3). Identifiers: Orphanet 1478, MedGen C3279790, MONDO:0013567, OMIM 614089.
Sick sinus syndrome 3, susceptibility to (SSS3). Identifiers: Orphanet 166282, MedGen C3279791, MONDO:0013568, OMIM 614090.

Submission:

Juno Genomics, Hangzhou Juno Genomics, Inc
Classification: Uncertain significance for Sick sinus syndrome 3, susceptibility to; Atrial septal defect 3; Dilated cardiomyopathy 1EE; Hypertrophic cardiomyopathy 14. Review status: criteria provided, single submitter. Criteria: ACMG Guidelines, 2015. Collection method: clinical testing. Allele origin: germline.
Comment: Missense variant in a gene that has a low rate of benign missense variation.;Multiple lines of computational evidence support a deleterious effect on the gene or gene product.;Absent from controls (or at extremely low frequency if recessive) in Genome Aggregation Database.

NM_002471.4(MYH6):c.2902A>G (p.Lys968Glu)

Gene: MYH6 (myosin heavy chain 6; minus strand). Cytogenetic location: 14q11.2.
Variant type: single nucleotide variant.
Coding change: c.2902A>G on transcript NM_002471.4 (MANE Select); coding-DNA position 2902, A replaced by G.
Protein change: p.Lys968Glu; replaces lysine 968 with glutamic acid.
Molecular consequence: missense variant.
Genome position (GRCh38, 1-based): chr14:23,393,692, T>C on the plus strand (A>G on the coding strand, the complement: MYH6 is on the minus strand). VCF-style: chr14-23393692-T-C. GRCh37 (hg19) VCF-style: chr14-23862901-T-C.
Other names: short protein forms K968E.
Identifiers: ClinVar variation 5005309 (VCV005005309.2).